The following is an entry in ClinVar:

ClinVar aggregate classification (germline): Uncertain significance. Review status: criteria provided, multiple submitters, no conflicts (2 of 4 stars). 3 submissions from 3 submitters: Uncertain significance (3). Last evaluated 2025-07-06.

Conditions:
RASopathy. Also called: rasopathies; Noonan spectrum disorder. Identifiers: Orphanet 536391, MedGen C5555857, MONDO:0021060.

gnomAD v4.1: 2 of 1,489,322 alleles (0.00013%); highest among the groups gnomAD compares: Middle Eastern, 0.023%; no homozygotes.

Submissions (3):

Labcorp Genetics (formerly Invitae), Labcorp
Classification: Uncertain significance for RASopathy. Last evaluated: 2025-07-06. Review status: criteria provided, single submitter. Criteria: Invitae Variant Classification Sherloc (09022015). Collection method: clinical testing. Allele origin: germline.
Comment: This sequence change replaces aspartic acid, which is acidic and polar, with valine, which is neutral and non-polar, at codon 22 of the BRAF protein (p.Asp22Val). This variant is present in population databases (no rsID available, gnomAD 0.002%). This variant has not been reported in the literature in individuals affected with BRAF-related conditions. ClinVar contains an entry for this variant (Variation ID: 1383976). Invitae Evidence Modeling of protein sequence and biophysical properties (such as structural, functional, and spatial information, amino acid conservation, physicochemical variation, residue mobility, and thermodynamic stability) indicates that this missense variant is expected to disrupt BRAF protein function with a positive predictive value of 95%. In summary, the available evidence is currently insufficient to determine the role of this variant in disease. Therefore, it has been classified as a Variant of Uncertain Significance.

Blueprint Genetics
Classification: Uncertain significance. Last evaluated: 2024-08-21. Review status: criteria provided, single submitter. Criteria: ACMG Guidelines, 2015. Collection method: clinical testing. Allele origin: germline.

GeneDx
Classification: Uncertain significance. Last evaluated: 2024-03-06. Review status: criteria provided, single submitter. Criteria: GeneDx Variant Classification Process June 2021. Collection method: clinical testing. Allele origin: germline. Affected: yes.
Comment: Has not been previously published as pathogenic or benign to our knowledge; In silico analysis supports that this missense variant does not alter protein structure/function; Missense variants in this gene are a common cause of disease and they are underrepresented in the general population

NM_004333.6(BRAF):c.65A>T (p.Asp22Val)

Gene: BRAF (B-Raf proto-oncogene, serine/threonine kinase; minus strand). Cytogenetic location: 7q34.
Variant type: single nucleotide variant.
Coding change: c.65A>T on transcript NM_004333.6 (MANE Select); coding-DNA position 65, A replaced by T.
Protein change: p.Asp22Val; replaces aspartic acid 22 with valine.
Molecular consequence: missense variant.
Genome position (GRCh38, 1-based): chr7:140,924,639, T>A on the plus strand (A>T on the coding strand, the complement: BRAF is on the minus strand). VCF-style: chr7-140924639-T-A. GRCh37 (hg19) VCF-style: chr7-140624439-T-A.
Other names: c.65A>T, p.Asp22Val (NM_001354609.2, NM_001374244.1, NM_001374258.1 and 7 more transcripts); c.65A>T (NM_004333.4); short protein forms D22V.
Identifiers: ClinVar variation 1383976 (VCV001383976.7), dbSNP rs1414371670, ClinGen allele CA369590166.
Genomic context (GRCh38, chr7:140,924,639, plus strand): 5'-GCAGGGTCCGCAGCCGAAGAGGCCGCGGCGCCGGCGCCGGCGCCGGCCTCGGGCTCCATG[T>A]CCCCGTTGAACAGAGCCTGGCCCGGCTCCGCGCCGCCACCACCGCCACCGCTCAGCGCCG-3'
Protein context (NP_004324.2, residues 12-32): AEPGQALFNG[Asp22Val]MEPEAGAGAG